The following is an entry in ClinVar:

ClinVar aggregate classification (germline): Likely pathogenic (1 of 4 stars; one submission).

Submission:

Dasa
Classification: Likely pathogenic. Last evaluated: 2025-07-01. Review status: criteria provided, single submitter. Criteria: DASA Assertion Criteria. Collection method: clinical testing. Allele origin: germline.
Comment: NM_198129.4(LAMA3):c.6700C>T (p.Gln2234*) is a nonsense variant in LAMA3 predicted to introduce a premature termination codon and is predicted to result in an absent or altered protein product. Loss of function is an established disease mechanism for LAMA3-associated disorders. Also, this variant is absent from population databases. Based on the currently available evidence, this variant is classified as likely pathogenic.

NM_198129.4(LAMA3):c.6700C>T (p.Gln2234Ter)

Gene: LAMA3 (laminin subunit alpha 3; plus strand). Cytogenetic location: 18q11.2.
Variant type: single nucleotide variant.
Coding change: c.6700C>T on transcript NM_198129.4 (MANE Select); coding-DNA position 6700, C replaced by T.
Protein change: p.Gln2234Ter; replaces glutamine 2234 with a stop codon.
Molecular consequence: nonsense.
Genome position (GRCh38, 1-based): chr18:23,905,606, C>T. VCF-style: chr18-23905606-C-T. GRCh37 (hg19) VCF-style: chr18-21485570-C-T.
Other names: c.1873C>T, p.Gln625Ter (NM_000227.6); c.6532C>T, p.Gln2178Ter (NM_001127717.4); c.1705C>T, p.Gln569Ter (NM_001127718.4); short protein forms Q2178*, Q2234*, Q569*, Q625*.
Identifiers: ClinVar variation 4886407 (VCV004886407.2).
Genomic context (GRCh38, chr18:23,905,606, plus strand): 5'-AGAAAAGCTAAAACCCTGAGTTCCAACAGTGATAAACTGTTAAATGAAGCCAAGATGACA[C>T]AAAAGAAGCTAAAGCAAGGTATTAGGGGGAGTGGGCAATGGCAGGGATAGTCAGGAGCTT-3'